The following is an entry in ClinVar:

ClinVar aggregate classification (germline): Uncertain significance (1 of 4 stars; one submission).

gnomAD v4.1: 3 of 1,477,816 alleles (0.0002%); highest among the groups gnomAD compares: Non-Finnish European, 0.00027%; no homozygotes.

Submission:

Ambry Genetics
Classification: Uncertain significance. Last evaluated: 2024-03-12. Review status: criteria provided, single submitter. Criteria: Ambry Variant Classification Scheme 2023. Collection method: clinical testing. Allele origin: germline.
Comment: The p.L311V variant (also known as c.931C>G), located in coding exon 9 of the BUB1 gene, results from a C to G substitution at nucleotide position 931. The leucine at codon 311 is replaced by valine, an amino acid with highly similar properties. This amino acid position is conserved. In addition, this alteration is predicted to be tolerated by in silico analysis. Since supporting evidence is limited at this time, the clinical significance of this alteration remains unclear.

NM_004336.5(BUB1):c.931C>G (p.Leu311Val)

Gene: BUB1 (BUB1 mitotic checkpoint serine/threonine kinase; minus strand). Cytogenetic location: 2q13.
Variant type: single nucleotide variant.
Coding change: c.931C>G on transcript NM_004336.5 (MANE Select); coding-DNA position 931, C replaced by G.
Protein change: p.Leu311Val; replaces leucine 311 with valine.
Molecular consequence: missense variant.
Genome position (GRCh38, 1-based): chr2:110,666,289, G>C on the plus strand (C>G on the coding strand, the complement: BUB1 is on the minus strand). VCF-style: chr2-110666289-G-C. GRCh37 (hg19) VCF-style: chr2-111423866-G-C.
Other names: c.871C>G, p.Leu291Val (NM_001278616.2); c.931C>G, p.Leu311Val (NM_001278617.2); short protein forms L311V, L291V.
Identifiers: ClinVar variation 1766560 (VCV001766560.2), dbSNP rs1302411588, ClinGen allele CA348216318.